The following is an entry in ClinVar:

ClinVar aggregate classification (germline): Likely benign (1 of 4 stars; one submission).

Allele frequency attached by ClinVar (database versions not stated): TOPMed 0.00002; ExAC 0.00005.
gnomAD v4.1: 29 of 1,598,260 alleles (0.0018%); highest among the groups gnomAD compares: East Asian, 0.0022%; no homozygotes.

Submission:

CeGaT Center for Human Genetics Tuebingen
Classification: Likely benign. Last evaluated: 2022-06-01. Review status: criteria provided, single submitter. Criteria: CeGaT Center For Human Genetics Tuebingen Variant Classification Criteria Version 2. Collection method: clinical testing. Allele origin: germline. Affected: yes. Observed: 1 variant allele.
Comment: ZNF557: BP4, BP7

NM_024341.3(ZNF557):c.456C>T (p.Asn152=)

Gene: ZNF557 (zinc finger protein 557; plus strand). Cytogenetic location: 19p13.2.
Variant type: single nucleotide variant.
Coding change: c.456C>T on transcript NM_024341.3 (MANE Select); coding-DNA position 456, C replaced by T.
Protein change: p.Asn152=; no amino-acid change (asparagine 152 retained).
Molecular consequence: synonymous variant.
Genome position (GRCh38, 1-based): chr19:7,082,907, C>T. VCF-style: chr19-7082907-C-T. GRCh37 (hg19) VCF-style: chr19-7082918-C-T.
Other names: c.456C>T, p.Asn152= (NM_001044387.2); c.435C>T, p.Asn145= (NM_001044388.2).
Identifiers: ClinVar variation 2649150 (VCV002649150.24), dbSNP rs749792845, ClinGen allele CA9134862.